The following is an entry in ClinVar:

ClinVar aggregate classification (germline): Likely benign. Review status: criteria provided, single submitter (1 of 4 stars). 2 submissions from 2 submitters: Likely benign (1). 1 of the submissions does not count toward it. Last evaluated 2022-12-01.

Conditions:
MUC16-related disorder. Also called: MUC16-related condition.

Allele frequency attached by ClinVar (database versions not stated): 1000 Genomes Project 0.00080; 1000 Genomes Project 30x 0.00094.

Submissions (2):

CeGaT Center for Human Genetics Tuebingen
Classification: Likely benign. Last evaluated: 2022-12-01. Review status: criteria provided, single submitter. Criteria: CeGaT Center For Human Genetics Tuebingen Variant Classification Criteria Version 2. Collection method: clinical testing. Allele origin: germline. Affected: yes. Observed: 2 variant alleles.
Comment: MUC16: BP4, BP7

PreventionGenetics, part of Exact Sciences
Classification: Benign for MUC16-related condition. Last evaluated: 2019-06-24. Review status: no assertion criteria provided. Collection method: clinical testing. Allele origin: germline. Not counted in ClinVar's aggregate classification.
Comment: This variant is classified as benign based on ACMG/AMP sequence variant interpretation guidelines (Richards et al. 2015 PMID: 25741868, with internal and published modifications).

NM_001401501.2(MUC16):c.32412G>A (p.Thr10804=)

Gene: MUC16 (mucin 16, cell surface associated; minus strand). Cytogenetic location: 19p13.2.
Variant type: single nucleotide variant.
Coding change: c.32412G>A on transcript NM_001401501.2 (MANE Select); coding-DNA position 32412, G replaced by A.
Protein change: p.Thr10804=; no amino-acid change (threonine 10804 retained).
Molecular consequence: synonymous variant.
Genome position (GRCh38, 1-based): chr19:8,938,663, C>T on the plus strand (G>A on the coding strand, the complement: MUC16 is on the minus strand). VCF-style: chr19-8938663-C-T. GRCh37 (hg19) VCF-style: chr19-9049339-C-T.
Other names: c.32838G>A, p.Thr10946= (NM_001414686.1); c.32292G>A, p.Thr10764= (NM_001414687.1, NM_024690.2).
Identifiers: ClinVar variation 2649235 (VCV002649235.25), dbSNP rs11883220, ClinGen allele CA9166684.